The following is an entry in ClinVar:

NM_018136.5(ASPM):c.5333T>C (p.Ile1778Thr)

Gene: ASPM (assembly factor for spindle microtubules; minus strand). Cytogenetic location: 1q31.3.
Variant type: single nucleotide variant.
Coding change: c.5333T>C on transcript NM_018136.5 (MANE Select); coding-DNA position 5333, T replaced by C.
Protein change: p.Ile1778Thr; replaces isoleucine 1778 with threonine.
Molecular consequence: missense variant. On other transcripts: intron variant (1).
Genome position (GRCh38, 1-based): chr1:197,103,918, A>G on the plus strand (T>C on the coding strand, the complement: ASPM is on the minus strand). VCF-style: chr1-197103918-A-G. GRCh37 (hg19) VCF-style: chr1-197073048-A-G.
Other names: c.4066-7754T>C (NM_001206846.2); c.5333T>C (NM_018136.4); short protein forms I1778T.
Identifiers: ClinVar variation 1524012 (VCV001524012.11), dbSNP rs777352982, ClinGen allele CA1309776.

ClinVar aggregate classification (germline): Conflicting classifications of pathogenicity. Review status: criteria provided, conflicting classifications (1 of 4 stars). 5 submissions from 5 submitters: Uncertain significance (4); Likely benign (1). Last evaluated 2026-08-12.

Conditions:
Inborn genetic diseases. Identifiers: MedGen C0950123, MeSH D030342.
ASPM-related disorder. Also called: ASPM-related condition.
Microcephaly 5, primary, autosomal recessive (MCPH5). Also called: ASPM Primary Microcephaly. Identifiers: Orphanet 2512, MedGen C1837501, MONDO:0012106, OMIM 608716.

Allele frequency attached by ClinVar (database versions not stated): TOPMed 0.00006; gnomAD 0.00009 and 0.00007; gnomAD exomes 0.00002 and 0.00004; ExAC 0.00002.
gnomAD v4.1: 53 of 1,612,660 alleles (0.0033%); highest among the groups gnomAD compares: African/African-American, 0.043%; no homozygotes.

Submissions (5):

Ambry Genetics
Classification: Likely benign for Inborn genetic diseases. Last evaluated: 2026-08-12. Review status: criteria provided, single submitter. Criteria: Ambry Variant Classification Scheme 2023. Collection method: clinical testing. Allele origin: germline.

PreventionGenetics, part of Exact Sciences
Classification: Uncertain significance for ASPM-related condition. Last evaluated: 2025-12-01. Review status: criteria provided, single submitter. Criteria: ACMG Guidelines, 2015. Collection method: clinical testing. Allele origin: germline.
Comment: The ASPM c.5333T>C variant is predicted to result in the amino acid substitution p.Ile1778Thr. To our knowledge, this variant has not been reported in the literature. This variant is reported in 0.032% of alleles in individuals of African descent in gnomAD. At this time, the clinical significance of this variant is uncertain due to the absence of conclusive functional and genetic evidence.

Labcorp Genetics (formerly Invitae), Labcorp
Classification: Uncertain significance. Last evaluated: 2024-01-11. Review status: criteria provided, single submitter. Criteria: Invitae Variant Classification Sherloc (09022015). Collection method: clinical testing. Allele origin: germline.
Comment: This sequence change replaces isoleucine, which is neutral and non-polar, with threonine, which is neutral and polar, at codon 1778 of the ASPM protein (p.Ile1778Thr). This variant is present in population databases (rs777352982, gnomAD 0.03%). This variant has not been reported in the literature in individuals affected with ASPM-related conditions. ClinVar contains an entry for this variant (Variation ID: 1524012). Advanced modeling of protein sequence and biophysical properties (such as structural, functional, and spatial information, amino acid conservation, physicochemical variation, residue mobility, and thermodynamic stability) performed at Invitae indicates that this missense variant is not expected to disrupt ASPM protein function with a negative predictive value of 80%. In summary, the available evidence is currently insufficient to determine the role of this variant in disease. Therefore, it has been classified as a Variant of Uncertain Significance.

Genome-Nilou Lab
Classification: Uncertain significance for Microcephaly 5, primary, autosomal recessive. Last evaluated: 2023-04-11. Review status: criteria provided, single submitter. Criteria: ACMG Guidelines, 2015. Collection method: clinical testing. Allele origin: germline. Affected: no.

Revvity Omics, Revvity
Classification: Uncertain significance for Microcephaly 5, primary, autosomal recessive. Last evaluated: 2020-12-29. Review status: criteria provided, single submitter. Criteria: ACMG Guidelines, 2015. Collection method: clinical testing. Allele origin: germline.